The following is an entry in ClinVar:

ClinVar aggregate classification (germline): Pathogenic (1 of 4 stars; one submission).

Conditions:
Renal carnitine transport defect (CDSP). Also called: CARNITINE DEFICIENCY, SYSTEMIC, DUE TO DEFECT IN RENAL REABSORPTION OF CARNITINE; CARNITINE TRANSPORTER, PLASMA-MEMBRANE, DEFICIENCY OF; CARNITINE UPTAKE DEFECT; Primary carnitine deficiency; Systemic primary carnitine deficiency; Systemic primary carnitine deficiency disease. Identifiers: Orphanet 158, MedGen C0342788, MONDO:0008919, OMIM 212140.

Submission:

Labcorp Genetics (formerly Invitae), Labcorp
Classification: Pathogenic for Renal carnitine transport defect. Last evaluated: 2023-02-11. Review status: criteria provided, single submitter. Criteria: Invitae Variant Classification Sherloc (09022015). Collection method: clinical testing. Allele origin: germline.
Comment: For these reasons, this variant has been classified as Pathogenic. This variant has not been reported in the literature in individuals affected with SLC22A5-related conditions. This variant is not present in population databases (gnomAD no frequency). This sequence change creates a premature translational stop signal (p.Cys376Serfs*56) in the SLC22A5 gene. It is expected to result in an absent or disrupted protein product. Loss-of-function variants in SLC22A5 are known to be pathogenic (PMID: 9916797).

Literature cited by the submitters: PubMed 9916797.

NM_003060.4(SLC22A5):c.1127_1130del (p.Cys376fs)

Gene: SLC22A5 (solute carrier family 22 member 5; plus strand). Cytogenetic location: 5q31.1.
Variant type: Deletion.
Coding change: c.1127_1130del on transcript NM_003060.4 (MANE Select); coding-DNA positions 1127 to 1130, 4 bases deleted (GCTT; older notation c.1127_1130delGCTT).
Protein change: p.Cys376fs; shifts the reading frame from cysteine 376.
Molecular consequence: frameshift variant.
Genome position (GRCh38, 1-based): chr5:132,390,764-132,390,767, GCTT deleted; deleting any 4 consecutive bases within chr5:132,390,763-132,390,767 gives the same sequence; the c. name uses the placement nearest the transcript's 3' end. VCF-style (leftmost placement, unchanged base first): chr5-132390762-CTGCT-C. GRCh37 (hg19) VCF-style: chr5-131726454-CTGCT-C.
Other names: c.1199_1202del, p.Cys400fs (NM_001308122.2); short protein forms C376fs, C400fs.
Identifiers: ClinVar variation 2836344 (VCV002836344.3), dbSNP rs2532134216, ClinGen allele CA2739275031.